The following is an entry in ClinVar:

NM_005592.4(MUSK):c.601T>G (p.Ser201Ala)

Gene: MUSK (muscle associated receptor tyrosine kinase; plus strand). Cytogenetic location: 9q31.3.
Variant type: single nucleotide variant.
Coding change: c.601T>G on transcript NM_005592.4 (MANE Select); coding-DNA position 601, T replaced by G.
Protein change: p.Ser201Ala; replaces serine 201 with alanine.
Molecular consequence: missense variant.
Genome position (GRCh38, 1-based): chr9:110,697,439, T>G. VCF-style: chr9-110697439-T-G. GRCh37 (hg19) VCF-style: chr9-113459719-T-G.
Other names: c.601T>G, p.Ser201Ala (NM_001166280.2, NM_001166281.2); short protein forms S201A.
Identifiers: ClinVar variation 2123904 (VCV002123904.4), dbSNP rs2076446923, ClinGen allele CA374666814.

ClinVar aggregate classification (germline): Uncertain significance (1 of 4 stars; one submission).

Conditions:
Fetal akinesia deformation sequence 1 (FADS1). Also called: Fetal akinesia sequence; Pena-Shokeir syndrome type I. Identifiers: Orphanet 994, MedGen C1276035, MONDO:0100101, OMIM 208150, HP:0001989.
Congenital myasthenic syndrome 9. Also called: Myasthenic syndrome, congenital, 9, associated with acetylcholine receptor deficiency. Identifiers: Orphanet 590, MedGen C4225368, MONDO:0014587, OMIM 616325.

Allele frequency attached by ClinVar (database versions not stated): TOPMed below 0.00001.

Submission:

Labcorp Genetics (formerly Invitae), Labcorp
Classification: Uncertain significance for Congenital myasthenic syndrome 9; Fetal akinesia deformation sequence 1. Last evaluated: 2022-11-07. Review status: criteria provided, single submitter. Criteria: Invitae Variant Classification Sherloc (09022015). Collection method: clinical testing. Allele origin: germline.
Comment: This sequence change replaces serine, which is neutral and polar, with alanine, which is neutral and non-polar, at codon 201 of the MUSK protein (p.Ser201Ala). This variant is not present in population databases (gnomAD no frequency). This variant has not been reported in the literature in individuals affected with MUSK-related conditions. Advanced modeling of protein sequence and biophysical properties (such as structural, functional, and spatial information, amino acid conservation, physicochemical variation, residue mobility, and thermodynamic stability) performed at Invitae indicates that this missense variant is not expected to disrupt MUSK protein function. In summary, the available evidence is currently insufficient to determine the role of this variant in disease. Therefore, it has been classified as a Variant of Uncertain Significance.